The following is an entry in ClinVar:

ClinVar aggregate classification (germline): Uncertain significance (1 of 4 stars; one submission).

gnomAD v4.1: 50 of 1,613,956 alleles (0.0031%); highest among the groups gnomAD compares: East Asian, 0.0045%; no homozygotes.

Submission:

Labcorp Genetics (formerly Invitae), Labcorp
Classification: Uncertain significance. Last evaluated: 2025-10-08. Review status: criteria provided, single submitter. Criteria: Invitae Variant Classification Sherloc (09022015). Collection method: clinical testing. Allele origin: germline.
Comment: This sequence change replaces arginine, which is basic and polar, with glutamine, which is neutral and polar, at codon 614 of the ATP2A2 protein (p.Arg614Gln). This variant is present in population databases (rs761676527, gnomAD 0.006%). This variant has not been reported in the literature in individuals affected with ATP2A2-related conditions. Invitae Evidence Modeling of protein sequence and biophysical properties (such as structural, functional, and spatial information, amino acid conservation, physicochemical variation, residue mobility, and thermodynamic stability) indicates that this missense variant is not expected to disrupt ATP2A2 protein function with a negative predictive value of 80%. In summary, the available evidence is currently insufficient to determine the role of this variant in disease. Therefore, it has been classified as a Variant of Uncertain Significance.

NM_170665.4(ATP2A2):c.1841G>A (p.Arg614Gln)

Genes: ATP2A2 (ATPase sarcoplasmic/endoplasmic reticulum Ca2+ transporting 2; plus strand), LOC126861637 (MED14-independent group 3 enhancer GRCh37_chr12:110778306-110779505; plus strand). Cytogenetic location: 12q24.11.
Variant type: single nucleotide variant.
Coding change: c.1841G>A on transcript NM_170665.4 (MANE Select); coding-DNA position 1841, G replaced by A.
Protein change: p.Arg614Gln; replaces arginine 614 with glutamine.
Molecular consequence: missense variant.
Genome position (GRCh38, 1-based): chr12:110,340,738, G>A. VCF-style: chr12-110340738-G-A. GRCh37 (hg19) VCF-style: chr12-110778543-G-A.
Other names: c.1736G>A, p.Arg579Gln (NM_001413013.1); c.1841G>A, p.Arg614Gln (NM_001413014.1, NM_001681.4); c.1466G>A, p.Arg489Gln (NM_001413015.1); short protein forms R489Q, R614Q, R579Q.
Identifiers: ClinVar variation 4706808 (VCV004706808.1).
Genomic context (GRCh38, chr12:110,340,738, plus strand): 5'-GCTGCGTGGGCATGCTGGATCCTCCGAGAATCGAGGTGGCCTCCTCCGTGAAGCTGTGCC[G>A]GCAAGCAGGCATCCGGGTCATCATGATCACTGGGGACAACAAGGGCACTGCTGTGGCCAT-3'
Protein context (NP_733765.1, residues 604-624): IEVASSVKLC[Arg614Gln]QAGIRVIMIT